The following is an entry in ClinVar:

ClinVar aggregate classification (germline): Uncertain significance (1 of 4 stars; one submission).

Conditions:
Atypical hemolytic-uremic syndrome. Identifiers: Orphanet 2134, MedGen C2931788, MONDO:0016244.

Submission:

Genomenon, Inc
Classification: Uncertain significance for Atypical hemolytic-uremic syndrome. Last evaluated: 2026-09-17. Review status: criteria provided, single submitter. Criteria: Genomenon Sequence Variant Interpretation Standards - Updated. Collection method: curation. Allele origin: germline. Affected: yes.
Comment: CFH p.Cys192Tyr (c.575G>A) is a missense variant that changes the amino acid at codon 192 from cysteine to tyrosine. This variant has been observed in at least one proband affected with atypical hemolytic-uremic syndrome (PMID: 35619721). It is absent or not present at a significant frequency in gnomAD. In silico models predict that this variant is possibly or probably damaging. In conclusion, we classify CFH p.Cys192Tyr (c.575G>A) as a variant of uncertain significance.

Literature cited by the submitters: PubMed 35619721.

NM_000186.4(CFH):c.575G>A (p.Cys192Tyr)

Gene: CFH (complement factor H; plus strand). Cytogenetic location: 1q31.3.
Variant type: single nucleotide variant.
Coding change: c.575G>A on transcript NM_000186.4 (MANE Select); coding-DNA position 575, G replaced by A.
Protein change: p.Cys192Tyr; replaces cysteine 192 with tyrosine.
Molecular consequence: missense variant.
Genome position (GRCh38, 1-based): chr1:196,677,623, G>A. VCF-style: chr1-196677623-G-A. GRCh37 (hg19) VCF-style: chr1-196646753-G-A.
Other names: c.575G>A, p.Cys192Tyr (NM_001014975.3); short protein forms C192Y.
Identifiers: ClinVar variation 4291302 (VCV004291302.2).